The following is an entry in ClinVar:

NM_000350.3(ABCA4):c.214G>A (p.Gly72Arg)

Gene: ABCA4 (ATP binding cassette subfamily A member 4; minus strand). Cytogenetic location: 1p22.1.
Variant type: single nucleotide variant.
Coding change: c.214G>A on transcript NM_000350.3 (MANE Select); coding-DNA position 214, G replaced by A.
Protein change: p.Gly72Arg; replaces glycine 72 with arginine.
Molecular consequence: missense variant.
Genome position (GRCh38, 1-based): chr1:94,111,526, C>T on the plus strand (G>A on the coding strand, the complement: ABCA4 is on the minus strand). VCF-style: chr1-94111526-C-T. GRCh37 (hg19) VCF-style: chr1-94577082-C-T.
Other names: NP_000341.2:p.(Gly72Arg); c.214G>A, p.Gly72Arg (NM_001425324.1); short protein forms G72R.
Identifiers: ClinVar variation 99120 (VCV000099120.78), dbSNP rs61751412, ClinGen allele CA226983.

ClinVar aggregate classification (germline): Pathogenic/Likely pathogenic. Review status: criteria provided, multiple submitters, no conflicts (2 of 4 stars). 13 submissions from 13 submitters: Pathogenic (6); Likely pathogenic (5). 2 of the submissions do not count toward it. Last evaluated 2026-04-01.

Conditions:
ABCA4-related disorder. Also called: ABCA4-related condition; ABCA4-related disorders. Identifiers: MedGen CN239167.
Retinal dystrophy. Also called: Inherited retinal dystrophy. Identifiers: Orphanet 71862, MedGen C0854723, MeSH D058499, MONDO:0019118, HP:0000556.
Age related macular degeneration 2. Also called: MACULAR DEGENERATION, SENILE; MACULOPATHY, AGE-RELATED, 2; MACULOPATHY, AGE-RELATED. Identifiers: MedGen C3495438, MONDO:0007932, OMIM 153800.
Stargardt disease (FFM). Also called: Fundus flavimaculatus; Stargardt's disease. Identifiers: Orphanet 827, MedGen C0271093, MONDO:0019353.
Severe early-childhood-onset retinal dystrophy (STGD1). Also called: MACULAR DYSTROPHY WITH FLECKS, TYPE 1; STGD; Stargardt macular dystrophy; Juvenile onset macular degeneration; Stargardt disease 1. Identifiers: Orphanet 364055, Orphanet 827, MedGen C1855465, MeSH D000080362, MONDO:0009549, OMIM 248200.

Allele frequency attached by ClinVar (database versions not stated): TOPMed below 0.00001; gnomAD 0.00001; ExAC 0.00002; gnomAD exomes 0.00002 and 0.00003; ESP Exome Variant Server 0.00008.

Submissions (13):

Dasa
Classification: Likely pathogenic. Last evaluated: 2026-04-01. Review status: criteria provided, single submitter. Criteria: DASA Assertion Criteria. Collection method: clinical testing. Allele origin: germline.
Comment: NM_000350.3(ABCA4):c.214G>A (p.Gly72Arg) is a missense variant that results in the substitution of glycine with arginine. The affected residue or protein region has prior evidence supporting clinical relevance. This variant has been recurrently observed in individuals with ABCA4-related disorders (PMID: 28355279; PMID: 30834176; PMID: 30945053; PMID: 40180963). Functional evidence supports an impact on the gene or gene product (PMID: 28355279; PMID: 30834176; PMID: 30945053; PMID: 40180963). Also, this variant is rare in population databases. Computational evidence supports a deleterious effect. Based on the currently available evidence, this variant is classified as likely pathogenic.

Labcorp Genetics (formerly Invitae), Labcorp
Classification: Pathogenic. Last evaluated: 2026-01-22. Review status: criteria provided, single submitter. Criteria: Invitae Variant Classification Sherloc (09022015). Collection method: clinical testing. Allele origin: germline.
Comment: This sequence change replaces glycine, which is neutral and non-polar, with arginine, which is basic and polar, at codon 72 of the ABCA4 protein (p.Gly72Arg). This variant is present in population databases (rs61751412, gnomAD 0.02%). This missense change has been observed in individual(s) with inherited retinal disease (PMID: 22264887, 28355279, 30834176, 30945053). In at least one individual the data is consistent with being in trans (on the opposite chromosome) from a pathogenic variant. ClinVar contains an entry for this variant (Variation ID: 99120). Invitae Evidence Modeling of protein sequence and biophysical properties (such as structural, functional, and spatial information, amino acid conservation, physicochemical variation, residue mobility, and thermodynamic stability) indicates that this missense variant is expected to disrupt ABCA4 protein function with a positive predictive value of 95%. Experimental studies have shown that this missense change affects ABCA4 function (PMID: 29847635). For these reasons, this variant has been classified as Pathogenic.

3billion
Classification: Pathogenic for ABCA4-related disorder. Last evaluated: 2025-12-16. Review status: criteria provided, single submitter. Criteria: ACMG Guidelines, 2015. Collection method: clinical testing. Allele origin: germline. Affected: yes.
Comment: The variant is observed at an extremely low frequency in the gnomAD v4.1.0 dataset (total allele frequency: <0.001%). Predicted Consequence/Location: Missense variant In silico tool predictions suggest damaging effect of the variant on gene or gene product [REVEL: 0.96 (>=0.6, sensitivity 0.68 and specificity 0.92); 3Cnet: 0.95 (> 0.75, sensitivity 0.96 and precision 0.92)]. The same nucleotide change resulting in the same amino acid change has been previously reported as pathogenic/likely pathogenic with strong evidence (ClinVar ID: VCV000099120 /PMID: 10958763). Different missense changes at the same codon (p.Gly72Glu, p.Gly72Val) have been reported as pathogenic/likely pathogenic with strong evidence (ClinVar ID: VCV001356962, VCV002694095 /PMID: 26780318). Therefore, this variant is classified as Pathogenic according to the recommendation of ACMG/AMP guideline.

Ophthalmic Genetics Group, Institute of Molecular and Clinical Ophthalmology Basel
Classification: Pathogenic for Retinal dystrophy. Last evaluated: 2024-05-27. Review status: criteria provided, single submitter. Criteria: ACMG Guidelines, 2015. Collection method: research. Allele origin: germline. Affected: yes. Observed: 27 variant alleles.
Comment: This variant was classified as Pathogenic based on ACMG criteria: PM3_very strong, PS3_sup, PM1_mod, PM2_mod, PM5_mod, PP1_strong and PP2_sup

Blueprint Genetics
Classification: Pathogenic for ABCA4-related disorders. Last evaluated: 2023-12-05. Review status: criteria provided, single submitter. Criteria: ACMG Guidelines, 2015. Collection method: clinical testing. Allele origin: germline. Affected: yes. Observed: 5 variant alleles.

Institute of Medical Molecular Genetics, University of Zurich
Classification: Likely pathogenic for Severe early-childhood-onset retinal dystrophy. Last evaluated: 2021-01-30. Review status: criteria provided, single submitter. Criteria: ACMG Guidelines, 2015. Collection method: clinical testing. Allele origin: unknown. Affected: yes.

Institute of Medical Genetics and Applied Genomics, University Hospital Tübingen
Classification: Pathogenic. Last evaluated: 2020-10-23. Review status: criteria provided, single submitter. Criteria: ACMG Guidelines, 2015. Collection method: clinical testing. Allele origin: germline. Inheritance: Autosomal recessive inheritance. Affected: yes.

Institute of Human Genetics, Univ. Regensburg, Univ. Regensburg
Classification: Likely pathogenic for Retinal dystrophy. Last evaluated: 2020-01-01. Review status: criteria provided, single submitter. Criteria: ACMG Guidelines, 2015. Collection method: clinical testing. Allele origin: germline. Affected: yes.

CeGaT Center for Human Genetics Tuebingen
Classification: Pathogenic. Last evaluated: 2019-07-01. Review status: criteria provided, single submitter. Criteria: CeGaT Center For Human Genetics Tuebingen Variant Classification Criteria Version 2. Collection method: clinical testing. Allele origin: germline. Affected: yes. Observed: 5 variant alleles.

ARUP Laboratories, Molecular Genetics and Genomics, ARUP Laboratories
Classification: Likely pathogenic. Last evaluated: 2019-01-03. Review status: criteria provided, single submitter. Criteria: ARUP Molecular Germline Variant Investigation Process. Collection method: clinical testing. Allele origin: germline.
Comment: The ABCA4 c.214G>A; p.Gly72Arg variant (rs617514127) is published in the medical literature in individuals with Stargardt or ABCA4-related disease in the compound heterozygous or homozygous state (Birtel 2018, Garces 2018, Khan 2018, Rivera 2000, Rosenberg 2007). The variant is reported in the ClinVar database (Variation ID: 99120) and in the general population with an allele frequency of 0.003% (7/251414 alleles) in the Genome Aggregation Database. The glycine at this position is highly conserved and computational algorithms (PolyPhen-2, SIFT) predict this variant is deleterious. In support of this prediction, experiments show reduced binding and ATPase activity compared to the wild type protein (Garces 2018). Considering available evidence, this variant is classified as likely pathogenic. References: Birtel J et al. Clinical and genetic characteristics of 251 consecutive patients with macular and cone/cone-rod dystrophy. Sci Rep. 2018 Mar 19;8(1):4824. Garces F et al. Correlating the Expression and Functional Activity of ABCA4 Disease Variants With the Phenotype of Patients With Stargardt Disease. Invest Ophthalmol Vis Sci. 2018 May 1;59(6):2305-2315. Khan KN et al. Early Patterns of Macular Degeneration in ABCA4-Associated Retinopathy. Ophthalmology. 2018 May;125(5):735-746. Rivera A et al. A comprehensive survey of sequence variation in the ABCA4 (ABCR) gene in Stargardt disease and age-related macular degeneration. Am J Hum Genet. 2000 Oct;67(4):800-13. Rosenberg T et al. N965S is a common ABCA4 variant in Stargardt-related retinopathies in the Danish population. Mol Vis. 2007 Oct 17;13:1962-9.

Arcensus
Classification: Likely pathogenic for Age related macular degeneration 2. Last evaluated: 2013-02-01. Review status: criteria provided, single submitter. Criteria: ACMG Guidelines, 2015. Collection method: clinical testing. Allele origin: germline. Affected: yes.

Department of Clinical Genetics, Copenhagen University Hospital, Rigshospitalet
Classification: Likely pathogenic for Stargardt disease. Last evaluated: 2018-04-01. Review status: no assertion criteria provided. Collection method: research. Allele origin: unknown. Affected: yes. Study: VeluxRD. Not counted in ClinVar's aggregate classification.

Retina International
No classification provided. Review status: no classification provided. Collection method: not provided. Allele origin: not provided. Not counted in ClinVar's aggregate classification.

Literature cited by the submitters: PubMed 30945053 (cited by 4 submitters); PubMed 30834176 (cited by 3 submitters); PubMed 28355279 (cited by 3 submitters); PubMed 29847635 (cited by 4 submitters); PubMed 40180963 (cited by Dasa and Ophthalmic Genetics Group, Institute of Molecular and Clinical Ophthalmology Basel); PubMed 22264887 (cited by 3 submitters); PubMed 10958763 (cited by 3billion and Institute of Human Genetics, Univ. Regensburg, Univ. Regensburg); PubMed 26780318 (cited by 3billion); PubMed 29555955 (cited by Institute of Human Genetics, Univ. Regensburg, Univ. Regensburg); PubMed 29310964 (cited by Institute of Human Genetics, Univ. Regensburg, Univ. Regensburg); PubMed 31877759 (cited by Institute of Human Genetics, Univ. Regensburg, Univ. Regensburg); PubMed 32619608 (cited by Institute of Human Genetics, Univ. Regensburg, Univ. Regensburg); PubMed 32531858 (cited by Institute of Human Genetics, Univ. Regensburg, Univ. Regensburg); PubMed 35119454 (cited by Institute of Human Genetics, Univ. Regensburg, Univ. Regensburg); PubMed 35076026 (cited by Institute of Human Genetics, Univ. Regensburg, Univ. Regensburg); PubMed 36819107 (cited by Institute of Human Genetics, Univ. Regensburg, Univ. Regensburg); PubMed 30718709 (cited by Department of Clinical Genetics, Copenhagen University Hospital, Rigshospitalet).